The following is an entry in ClinVar:

ClinVar aggregate classification (germline): Pathogenic. Review status: reviewed by expert panel (3 of 4 stars). 7 submissions from 7 submitters: Pathogenic (1). 6 of the submissions do not count toward it. Last evaluated 2018-08-31.

Conditions:
CFTR-related disorder (CFTR-RD). Also called: CFTR-related disorders; CFTR-related condition. Identifiers: MedGen C5924204, MONDO:7770004.
Cystic fibrosis (CF). Also called: MUCOVISCIDOSIS. Identifiers: Orphanet 586, MedGen C0010674, MONDO:0009061, OMIM 219700. Disease mechanism: loss of function.
Bronchiectasis with or without elevated sweat chloride 1 (BESC1). Also called: Cystic Fibrosis-Like Syndrome. Identifiers: Orphanet 60033, MedGen C2749757, MONDO:0008887, OMIM 211400.

Submissions (7):

CFTR2
Classification: Pathogenic for Cystic fibrosis. Last evaluated: 2018-08-31. Review status: reviewed by expert panel. Criteria: Sosnay PR et al. (Nat Genet 2013). Collection method: research. Allele origin: germline. Affected: yes.

Johns Hopkins Genomics, Johns Hopkins University
Classification: Pathogenic for Cystic fibrosis. Last evaluated: 2025-09-05. Review status: criteria provided, single submitter. Criteria: ACMG Guidelines, 2015. Collection method: clinical testing. Allele origin: germline. Not counted in ClinVar's aggregate classification.
Comment: Disease-causing CFTR variant. See CFTR2 for phenotype information.

Dasa
Classification: Pathogenic. Last evaluated: 2025-02-19. Review status: criteria provided, single submitter. Criteria: DASA Assertion Criteria. Collection method: clinical testing. Allele origin: germline. Not counted in ClinVar's aggregate classification.
Comment: NM_000492.4(CFTR):c.416A>G (p.His139Arg) is a missense variant that results in the substitution of histidine with arginine. The affected residue or protein region has prior evidence supporting clinical relevance. This variant has been observed in affected individuals with related phenotype in a genotype context consistent with recessive disease (PMID: 7541510; PMID: 25910067; PMID: 25304080; PMID: 15084222). This variant has been recurrently observed in individuals with related phenotype (PMID: 7541510; PMID: 25910067; PMID: 25304080; PMID: 15084222). Multiple computational predictions support a deleterious effect on the gene or gene product. The variant is present at low frequency in population datasets. Based on the available data, this variant is classified as pathogenic.

Ambry Genetics
Classification: Pathogenic for Cystic fibrosis. Last evaluated: 2025-02-13. Review status: criteria provided, single submitter. Criteria: Ambry Variant Classification Scheme 2023. Collection method: clinical testing. Allele origin: germline. Not counted in ClinVar's aggregate classification.
Comment: The p.H139R pathogenic mutation (also known as c.416A>G), located in coding exon 4 of the CFTR gene, results from an A to G substitution at nucleotide position 416. The histidine at codon 139 is replaced by arginine, an amino acid with highly similar properties. In multiple assays testing CFTR function, this variant showed functionally abnormal results (Seibert FS et al. Biochemistry, 1997 Sep;36:11966-74; Han ST et al. JCI Insight, 2018 Jul;3:; Bihler H et al. J Cyst Fibros, 2024 Jul;23:664-675). This variant has been reported in multiple individuals with an elevated sweat chloride level in The Clinical and Functional TRanslation of CFTR (CFTR2) database (available at CFTR2. Accessed 02/13/2025). This amino acid position is well conserved in available vertebrate species. In addition, this alteration is predicted to be deleterious by in silico analysis. This variant is considered to be rare based on population cohorts in the Genome Aggregation Database (gnomAD). Based on the supporting evidence, this variant is interpreted as a disease-causing mutation.

Natera, Inc.
Classification: Pathogenic for CFTR-related disorders. Last evaluated: 2024-12-11. Review status: criteria provided, single submitter. Criteria: Natera Variant Classification Schema (03/2026). Collection method: clinical testing. Allele origin: germline. Not counted in ClinVar's aggregate classification.
Comment: The c.416A>G variant in CFTR is a missense variant predicted to cause substitution of histidine to arginine at amino acid 139. This variant is rare in the general population with a frequency below the threshold expected for the associated phenotype(s). This variant has been observed in one or more individuals affected with the associated recessive disease, as either homozygous or compound heterozygous with a second variant (PMID: 25910067, 30134826). Given the available evidence, this variant is classified as Pathogenic.

Baylor Genetics
Classification: Pathogenic for Bronchiectasis with or without elevated sweat chloride 1. Last evaluated: 2023-08-20. Review status: criteria provided, single submitter. Criteria: ACMG Guidelines, 2015. Collection method: clinical testing. Allele origin: unknown. Not counted in ClinVar's aggregate classification.

ClinVar Staff, National Center for Biotechnology Information (NCBI)
No classification provided. Condition: CFTR-related disorders. Review status: no classification provided. Collection method: literature only. Allele origin: germline. Affected: yes. Not counted in ClinVar's aggregate classification.

Literature cited by the submitters: PubMed 38388235 (cited by Johns Hopkins Genomics, Johns Hopkins University and Ambry Genetics); PubMed 7541510 (cited by Dasa and ClinVar Staff, National Center for Biotechnology Information (NCBI)); PubMed 25910067 (cited by Dasa and Natera, Inc.); PubMed 25304080 (cited by Dasa); PubMed 15084222 (cited by Dasa); PubMed 30046002 (cited by Ambry Genetics); PubMed 9305991 (cited by Ambry Genetics); PubMed 30134826 (cited by Natera, Inc.).

NM_000492.4(CFTR):c.416A>G (p.His139Arg)

Gene: CFTR (CF transmembrane conductance regulator; plus strand). Cytogenetic location: 7q31.2.
Variant type: single nucleotide variant.
Coding change: c.416A>G on transcript NM_000492.4 (MANE Select); coding-DNA position 416, A replaced by G.
Protein change: p.His139Arg; replaces histidine 139 with arginine.
Molecular consequence: missense variant.
Genome position (GRCh38, 1-based): chr7:117,531,041, A>G. VCF-style: chr7-117531041-A-G. GRCh37 (hg19) VCF-style: chr7-117171095-A-G.
Other names: short protein forms H139R.
Identifiers: ClinVar variation 53909 (VCV000053909.8), dbSNP rs76371115, ClinGen allele CA327434.